The following is an entry in ClinVar:

NM_001288833.2(GGT1):c.1021-93C>T

Gene: GGT1 (gamma-glutamyltransferase 1; plus strand). Cytogenetic location: 22q11.23.
Variant type: single nucleotide variant.
Coding change: c.1021-93C>T on transcript NM_001288833.2 (MANE Select); 93 bases into the intron before coding-DNA position 1021, C replaced by T.
Molecular consequence: intron variant.
Genome position (GRCh38, 1-based): chr22:24,627,339, C>T. VCF-style: chr22-24627339-C-T. GRCh37 (hg19) VCF-style: chr22-25023306-C-T.
Other names: c.1021-93C>T (NM_013430.3, NM_013421.3).
Identifiers: ClinVar variation 4795416 (VCV004795416.1).

ClinVar aggregate classification (germline): Likely benign (1 of 4 stars; one submission).

gnomAD v4.1: 24,775 of 1,383,488 alleles (1.8%); highest among the groups gnomAD compares: Admixed American, 6.7%; 450 homozygotes.

Submission:

GeneDx
Classification: Likely benign. Last evaluated: 2019-08-15. Review status: criteria provided, single submitter. Criteria: GeneDx Variant Classification Process June 2021. Collection method: clinical testing. Allele origin: germline. Affected: yes.
Comment: See Variant Classification Assertion Criteria.